The following is an entry in ClinVar:

NM_031229.4(RBCK1):c.1094G>T (p.Ser365Ile)

Gene: RBCK1 (RANBP2-type and C3HC4-type zinc finger containing 1; plus strand). Cytogenetic location: 20p13.
Variant type: single nucleotide variant.
Coding change: c.1094G>T on transcript NM_031229.4 (MANE Select); coding-DNA position 1094, G replaced by T.
Protein change: p.Ser365Ile; replaces serine 365 with isoleucine.
Molecular consequence: missense variant. On other transcripts: non-coding transcript variant (1).
Genome position (GRCh38, 1-based): chr20:427,377, G>T. VCF-style: chr20-427377-G-T. GRCh37 (hg19) VCF-style: chr20-408021-G-T.
Other names: c.584G>T, p.Ser195Ile (NM_001323956.2, NM_001323958.2); c.1145G>T, p.Ser382Ile (NM_001410770.1); c.968G>T, p.Ser323Ile (NM_006462.6); short protein forms S323I, S195I, S382I, S365I.
Identifiers: ClinVar variation 2003771 (VCV002003771.4), dbSNP rs775281966, ClinGen allele CA407934026.

ClinVar aggregate classification (germline): Uncertain significance (1 of 4 stars; one submission).

Conditions:
Polyglucosan body myopathy type 1 (PGBM1). Also called: POLYGLUCOSAN BODY MYOPATHY WITHOUT IMMUNODEFICIENCY; Polyglucosan body myopathy 1 with or without immunodeficiency. Identifiers: Orphanet 329173, Orphanet 397937, MedGen C4014605, MONDO:0014389, OMIM 615895.

Submission:

Labcorp Genetics (formerly Invitae), Labcorp
Classification: Uncertain significance for Polyglucosan body myopathy type 1. Last evaluated: 2022-06-09. Review status: criteria provided, single submitter. Criteria: Invitae Variant Classification Sherloc (09022015). Collection method: clinical testing. Allele origin: germline.
Comment: In summary, the available evidence is currently insufficient to determine the role of this variant in disease. Therefore, it has been classified as a Variant of Uncertain Significance. Algorithms developed to predict the effect of missense changes on protein structure and function are either unavailable or do not agree on the potential impact of this missense change (SIFT: "Not Available"; PolyPhen-2: "Benign"; Align-GVGD: "Not Available"). This variant has not been reported in the literature in individuals affected with RBCK1-related conditions. This variant is not present in population databases (gnomAD no frequency). This sequence change replaces serine, which is neutral and polar, with isoleucine, which is neutral and non-polar, at codon 365 of the RBCK1 protein (p.Ser365Ile).